The following is an entry in ClinVar:

ClinVar aggregate classification (germline): Likely benign (1 of 4 stars; one submission).

Conditions:
Hypertrophic cardiomyopathy. Also called: HYPERTROPHIC MYOCARDIOPATHY. Identifiers: Orphanet 217569, MedGen C0007194, MeSH D002312, MONDO:0005045, HP:0001639.

Submission:

All of Us Research Program, National Institutes of Health
Classification: Likely benign for Hypertrophic cardiomyopathy. Last evaluated: 2024-06-09. Review status: criteria provided, single submitter. Criteria: ACMG Guidelines, 2015. Collection method: clinical testing. Allele origin: germline. Inheritance: Autosomal dominant inheritance. Observed: 1 variant allele, 1 heterozygote.
Comment: This study involves interpretation of variants in research participants for the purpose of population health screening. Participant phenotype was not available at the time of variant classification. Additional details can be found in publication PMID: 35346344, PMCID: PMC8962531

NM_000258.3(MYL3):c.482-13C>T

Gene: MYL3 (myosin light chain 3; minus strand). Cytogenetic location: 3p21.31.
Variant type: single nucleotide variant.
Coding change: c.482-13C>T on transcript NM_000258.3 (MANE Select); 13 bases into the intron before coding-DNA position 482, C replaced by T.
Molecular consequence: intron variant.
Genome position (GRCh38, 1-based): chr3:46,858,474, G>A on the plus strand (C>T on the coding strand, the complement: MYL3 is on the minus strand). VCF-style: chr3-46858474-G-A. GRCh37 (hg19) VCF-style: chr3-46899964-G-A.
Other names: c.482-13C>T (NM_001406939.1, NM_001406938.1, NM_001406937.1); c.308-13C>T (NM_001406940.1); c.308-28C>T (NM_001406941.1).
Identifiers: ClinVar variation 3387377 (VCV003387377.1).